The following is an entry in ClinVar:

ClinVar aggregate classification (germline): Uncertain significance. Review status: criteria provided, multiple submitters, no conflicts (2 of 4 stars). 2 submissions from 2 submitters: Uncertain significance (2). Last evaluated 2026-07-21.

Conditions:
Aortic aneurysm, familial thoracic 4 (AAT4). Also called: AORTIC ANEURYSM/AORTIC DISSECTION AND PATENT DUCTUS ARTERIOSUS. Identifiers: MedGen C1851504, MONDO:0007568, OMIM 132900.
Familial thoracic aortic aneurysm and aortic dissection (TAAD). Also called: Thoracic aortic aneurysms and dissections. Identifiers: Orphanet 91387, MedGen C4707243, MONDO:0019625.

Allele frequency attached by ClinVar (database versions not stated): TOPMed 0.00001; ExAC 0.00001.

Submissions (2):

Ambry Genetics
Classification: Uncertain significance for Familial thoracic aortic aneurysm and aortic dissection. Last evaluated: 2026-07-21. Review status: criteria provided, single submitter. Criteria: Ambry Variant Classification Scheme 2023. Collection method: clinical testing. Allele origin: germline.
Comment: The p.K1417N variant (also known as c.4251A>T), located in coding exon 30 of the MYH11 gene, results from an A to T substitution at nucleotide position 4251. The lysine at codon 1417 is replaced by asparagine, an amino acid with similar properties. This amino acid position is conserved. In addition, this alteration is predicted to be tolerated by in silico analysis. Based on the available evidence, the clinical significance of this variant remains unclear.

Labcorp Genetics (formerly Invitae), Labcorp
Classification: Uncertain significance for Aortic aneurysm, familial thoracic 4. Last evaluated: 2023-10-11. Review status: criteria provided, single submitter. Criteria: Invitae Variant Classification Sherloc (09022015). Collection method: clinical testing. Allele origin: germline.
Comment: This sequence change replaces lysine, which is basic and polar, with asparagine, which is neutral and polar, at codon 1424 of the MYH11 protein (p.Lys1424Asn). This variant is present in population databases (rs781137890, gnomAD 0.007%). This variant has not been reported in the literature in individuals affected with MYH11-related conditions. Advanced modeling of protein sequence and biophysical properties (such as structural, functional, and spatial information, amino acid conservation, physicochemical variation, residue mobility, and thermodynamic stability) performed at Invitae indicates that this missense variant is not expected to disrupt MYH11 protein function. In summary, the available evidence is currently insufficient to determine the role of this variant in disease. Therefore, it has been classified as a Variant of Uncertain Significance.

NM_002474.3(MYH11):c.4251A>T (p.Lys1417Asn)

Genes: MYH11 (myosin heavy chain 11; minus strand), NDE1 (nudE neurodevelopment protein 1; plus strand). Cytogenetic location: 16p13.11.
Variant type: single nucleotide variant.
Coding change: c.4251A>T on transcript NM_002474.3 (MANE Select); coding-DNA position 4251, A replaced by T.
Protein change: p.Lys1417Asn; replaces lysine 1417 with asparagine.
Molecular consequence: missense variant. On other transcripts: 3 prime UTR variant (2).
Genome position (GRCh38, 1-based): chr16:15,724,275, T>A on the plus strand (A>T on the coding strand, the complement: MYH11 is on the minus strand). VCF-style: chr16-15724275-T-A. GRCh37 (hg19) VCF-style: chr16-15818132-T-A.
Other names: c.4251A>T (NM_002474.2); c.4272A>T, p.Lys1424Asn (NM_001040113.2, NM_001040114.2); c.4251A>T, p.Lys1417Asn (NM_022844.3); c.*24T>A (NM_001143979.2, NM_017668.3); short protein forms K1417N, K1424N.
Identifiers: ClinVar variation 2711567 (VCV002711567.4), dbSNP rs781137890, ClinGen allele CA7921726.
Genomic context (GRCh38, chr16:15,724,275, plus strand): 5'-GTCCAAATCAACAACCAGGTCGTCCAGCTCCTGCTGAAGCCTGTTCTTGGTCTTTTCCAG[T>A]TTATCATAAGCGGCCGCCTTCTCCTCGTACTGCTGGGTGAGGTTCTCGATCTCCTTCTGG-3'
Protein context (NP_002465.1, residues 1407-1427): QYEEKAAAYD[Lys1417Asn]LEKTKNRLQQ